The following is an entry in ClinVar:

ClinVar aggregate classification (germline): Likely pathogenic (1 of 4 stars; one submission).

Conditions:
Dilated cardiomyopathy 1G (CMD1G). Identifiers: Orphanet 154, MedGen C1858763, MONDO:0011400, OMIM 604145.
Autosomal recessive limb-girdle muscular dystrophy type 2J (LGMDR10). Also called: MUSCULAR DYSTROPHY, LIMB-GIRDLE, AUTOSOMAL RECESSIVE 10; Limb-girdle muscular dystrophy, type 2J. Identifiers: Orphanet 140922, MedGen C1837342, MONDO:0012127, OMIM 608807.
Myopathy, myofibrillar, 9, with early respiratory failure (MFM9). Also called: Myopathy, distal, with early respiratory failure, autosomal dominant; Hereditary myopathy with early respiratory failure; EDSTROM MYOPATHY; MYOPATHY, PROXIMAL, WITH EARLY RESPIRATORY MUSCLE INVOLVEMENT. Identifiers: Orphanet 178464, Orphanet 34521, MedGen C1863599, MONDO:0011362, OMIM 603689.
Early-onset myopathy with fatal cardiomyopathy (CMYO5). Also called: CONGENITAL MYOPATHY 5 WITH CARDIOMYOPATHY; Salih Myopathy. Identifiers: Orphanet 289377, MedGen C2673677, MONDO:0012714, OMIM 611705. Disease mechanism: loss of function.
Tibial muscular dystrophy (TMD). Also called: Tibial muscular dystrophy, tardive; UDD MYOPATHY; Udd Distal Myopathy – Tibial Muscular Dystrophy. Identifiers: Orphanet 609, MedGen C1838244, MONDO:0010870, OMIM 600334.
Hypertrophic cardiomyopathy 9. Also called: Familial hypertrophic cardiomyopathy 9. Identifiers: MedGen C1861065, MONDO:0013412, OMIM 613765.

Submission:

Juno Genomics, Hangzhou Juno Genomics, Inc
Classification: Likely pathogenic for Early-onset myopathy with fatal cardiomyopathy; Dilated cardiomyopathy 1G; Hypertrophic cardiomyopathy 9; Autosomal recessive limb-girdle muscular dystrophy type 2J; Myopathy, myofibrillar, 9, with early respiratory failure; Tibial muscular dystrophy. Review status: criteria provided, single submitter. Criteria: ACMG Guidelines, 2015. Collection method: clinical testing. Allele origin: germline. Affected: yes.
Comment: Absent from controls (or at extremely low frequency if recessive) in Genome Aggregation Database, Exome Sequencing Project, 1000 Genomes Project, or Exome Aggregation Consortium.;Null variant in a gene where loss of function (LOF) is a known mechanism of disease.

NM_001267550.2(TTN):c.61287del (p.Gln20429fs)

Genes: TTN (titin; minus strand), TTN-AS1 (TTN antisense RNA 1; plus strand). Cytogenetic location: 2q31.2.
Variant type: Deletion.
Coding change: c.61287del on transcript NM_001267550.2 (MANE Select); coding-DNA position 61287, one base deleted (A; older notation c.61287delA).
Protein change: p.Gln20429fs; shifts the reading frame from glutamine 20429.
Molecular consequence: frameshift variant.
Genome position (GRCh38, 1-based): chr2:178,590,438, T deleted on the plus strand (A on the coding strand, the reverse complement: TTN is on the minus strand); the first of 2 consecutive T bases (chr2:178,590,438-178,590,439); deleting either gives the same sequence. VCF-style (leftmost placement, unchanged base first): chr2-178590437-AT-A. GRCh37 (hg19) VCF-style: chr2-179455164-AT-A.
Other names: c.56364del, p.Gln18788fs (NM_001256850.1); c.34092del, p.Gln11364fs (NM_003319.4); c.53583del, p.Gln17861fs (NM_133378.4); c.34467del, p.Gln11489fs (NM_133432.3); c.34668del, p.Gln11556fs (NM_133437.4); short protein forms Q11364fs, Q11489fs, Q11556fs, Q17861fs, Q18788fs, Q20429fs.
Identifiers: ClinVar variation 3381946 (VCV003381946.2).
Genomic context (GRCh38, chr2:178,590,437, plus strand): 5'-CTGCCTTTATACGGAATCTGTACTCATTTCCTTCAATTAGTCCAGGTACCCTAAAGGCAC[AT>A]TGCCTAATGAGTTCATCTTTATTAATCCTGTTCCATTGTGCTGTGCCAGGTTTCTGACAT-3'